The following is an entry in ClinVar:

ClinVar aggregate classification (germline): Uncertain significance (1 of 4 stars; one submission).

gnomAD v4.1: 4 of 1,613,654 alleles (0.00025%); highest among the groups gnomAD compares: South Asian, 0.0044%; no homozygotes.

Submission:

Dasa
Classification: Uncertain significance. Last evaluated: 2026-04-06. Review status: criteria provided, single submitter. Criteria: DASA Assertion Criteria. Collection method: clinical testing. Allele origin: germline.
Comment: NM_005027.4(PIK3R2):c.1942G>A (p.Glu648Lys) is a missense variant that results in the substitution of glutamic acid with lysine. This variant is rare in population databases. Computational prediction algorithms are consistent with a deleterious effect. The currently available literature and clinical evidence are not sufficient to establish a definitive association between this variant and the reported condition. Therefore, this variant is classified as a variant of uncertain significance.

NM_005027.4(PIK3R2):c.1942G>A (p.Glu648Lys)

Gene: PIK3R2 (phosphoinositide-3-kinase regulatory subunit 2; plus strand). Cytogenetic location: 19p13.11.
Variant type: single nucleotide variant.
Coding change: c.1942G>A on transcript NM_005027.4 (MANE Select); coding-DNA position 1942, G replaced by A.
Protein change: p.Glu648Lys; replaces glutamic acid 648 with lysine.
Molecular consequence: missense variant. On other transcripts: non-coding transcript variant (2).
Genome position (GRCh38, 1-based): chr19:18,168,859, G>A. VCF-style: chr19-18168859-G-A. GRCh37 (hg19) VCF-style: chr19-18279669-G-A.
Other names: short protein forms E648K.
Identifiers: ClinVar variation 4883582 (VCV004883582.2).